The following is an entry in ClinVar:

ClinVar aggregate classification (germline): Uncertain significance (1 of 4 stars; one submission).

Conditions:
Parathyroid carcinoma (PRTC). Also called: CDC73-Related Parathyroid Carcinoma; Parathyroid gland carcinoma. Identifiers: Orphanet 143, MedGen C0687150, MONDO:0012004, OMIM 608266, HP:0006780.

Submission:

Labcorp Genetics (formerly Invitae), Labcorp
Classification: Uncertain significance for Parathyroid carcinoma. Last evaluated: 2021-08-06. Review status: criteria provided, single submitter. Criteria: Invitae Variant Classification Sherloc (09022015). Collection method: clinical testing. Allele origin: germline.
Comment: This variant results in a copy number gain of the genomic region encompassing exon(s) 14-17 of the CDC73 gene. This region includes the termination codon of the gene. This copy number gain extends beyond the assayed region for this gene and therefore may encompass additional genes. As the precise location of this event is unknown, it may be in tandem or it may be located elsewhere in the genome. This variant has not been reported in the literature in individuals affected with CDC73-related conditions. In summary, the available evidence is currently insufficient to determine the role of this variant in disease. Therefore, it has been classified as a Variant of Uncertain Significance.

NC_000001.10:g.(?_193202113)_(193219842_?)dup

Gene: CDC73 (cell division cycle 73; plus strand). Cytogenetic location: 1q31.2.
Variant type: Duplication.
Identifiers: ClinVar variation 1449516 (VCV001449516.5).